The following is an entry in ClinVar:

ClinVar aggregate classification (germline): Uncertain significance (1 of 4 stars; one submission).

Conditions:
Hereditary cancer-predisposing syndrome. Also called: Neoplastic Syndromes, Hereditary; Tumor predisposition; Hereditary neoplastic syndrome; Hereditary Cancer Syndrome. Identifiers: Orphanet 140162, MedGen C0027672, MeSH D009386, MONDO:0015356.

Submission:

Ambry Genetics
Classification: Uncertain significance for Hereditary cancer-predisposing syndrome. Last evaluated: 2025-05-09. Review status: criteria provided, single submitter. Criteria: Ambry Variant Classification Scheme 2023. Collection method: clinical testing. Allele origin: germline.
Comment: The c.-5T>G variant is located in the 5' untranslated region (5&rsquo; UTR) of the SMARCA4 gene. This variant results from a T to G substitution 5 bases upstream from the first translated codon. This nucleotide position is not well conserved in available vertebrate species. Based on the available evidence, the clinical significance of this variant remains unclear.

NM_003072.5(SMARCA4):c.-5T>G

Gene: SMARCA4 (SWI/SNF related BAF chromatin remodeling complex subunit ATPase 4; plus strand). Cytogenetic location: 19p13.2.
Variant type: single nucleotide variant.
Coding change: c.-5T>G on transcript NM_003072.5 (MANE Select); 5 bases upstream of the start codon, T replaced by G.
Molecular consequence: 5 prime UTR variant. On other transcripts: non-coding transcript variant (1).
Genome position (GRCh38, 1-based): chr19:10,984,147, T>G. VCF-style: chr19-10984147-T-G. GRCh37 (hg19) VCF-style: chr19-11094823-T-G.
Other names: c.-5T>G (NM_001128844.3, NM_001128845.2, NM_001128846.2 and 4 more transcripts).
Identifiers: ClinVar variation 826123 (VCV000826123.5), dbSNP rs1599927878, ClinGen allele CA915952556.
Genomic context (GRCh38, chr19:10,984,147, plus strand): 5'-CATGAACCCCAGACTGACCAGGACTGTCTTCCAGCAGGAGGCCACTGTCTGCAGCTCCCG[T>G]GAAGATGTCCACTCCAGACCCACCCCTGGGCGGAACTCCTCGGCCAGGTCCTTCCCCGGG-3'